The following is an entry in ClinVar:

ClinVar aggregate classification (germline): Uncertain significance. Review status: criteria provided, multiple submitters, no conflicts (2 of 4 stars). 2 submissions from 2 submitters: Uncertain significance (2). Last evaluated 2026-07-31.

Conditions:
Telangiectasia, hereditary hemorrhagic, type 5 (HHT5). Identifiers: Orphanet 774, MedGen C3809710, MONDO:0014217, OMIM 615506.
Cardiovascular phenotype. Identifiers: MedGen CN230736.

gnomAD v4.1: 3 of 1,611,658 alleles (0.00019%); highest among the groups gnomAD compares: African/African-American, 0.0027%; no homozygotes.

Submissions (2):

Ambry Genetics
Classification: Uncertain significance for Cardiovascular phenotype. Last evaluated: 2026-07-31. Review status: criteria provided, single submitter. Criteria: Ambry Variant Classification Scheme 2023. Collection method: clinical testing. Allele origin: germline.
Comment: The p.T97R variant (also known as c.290C>G), located in coding exon 1 of the GDF2 gene, results from a C to G substitution at nucleotide position 290. The threonine at codon 97 is replaced by arginine, an amino acid with similar properties. This amino acid position is conserved. Based on the available evidence, the clinical significance of this variant remains unclear.

Labcorp Genetics (formerly Invitae), Labcorp
Classification: Uncertain significance for Telangiectasia, hereditary hemorrhagic, type 5. Last evaluated: 2024-05-09. Review status: criteria provided, single submitter. Criteria: Invitae Variant Classification Sherloc (09022015). Collection method: clinical testing. Allele origin: germline.
Comment: This sequence change replaces threonine, which is neutral and polar, with arginine, which is basic and polar, at codon 97 of the GDF2 protein (p.Thr97Arg). This variant is not present in population databases (gnomAD no frequency). This variant has not been reported in the literature in individuals affected with GDF2-related conditions. An algorithm developed to predict the effect of missense changes on protein structure and function (PolyPhen-2) suggests that this variant is likely to be disruptive. In summary, the available evidence is currently insufficient to determine the role of this variant in disease. Therefore, it has been classified as a Variant of Uncertain Significance.

NM_016204.4(GDF2):c.290C>G (p.Thr97Arg)

Gene: GDF2 (growth differentiation factor 2; plus strand). Cytogenetic location: 10q11.22.
Variant type: single nucleotide variant.
Coding change: c.290C>G on transcript NM_016204.4 (MANE Select); coding-DNA position 290, C replaced by G.
Protein change: p.Thr97Arg; replaces threonine 97 with arginine.
Molecular consequence: missense variant.
Genome position (GRCh38, 1-based): chr10:47,322,958, C>G. VCF-style: chr10-47322958-C-G. GRCh37 (hg19) VCF-style: chr10-48416404-G-C.
Other names: c.290C>G (NM_016204.1); short protein forms T97R.
Identifiers: ClinVar variation 2956283 (VCV002956283.4), dbSNP rs372529223, ClinGen allele CA206438225.
Genomic context (GRCh38, chr10:47,322,958, plus strand): 5'-CGCAGGACAAAACCAGGGTGGAGCCGCCGCAGTACATGATTGACCTGTACAACAGGTACA[C>G]GTCCGATAAGTCGACTACGCCAGCGTCCAACATTGTGCGGAGCTTCAGCATGGAAGGTAG-3'
Protein context (NP_057288.1, residues 87-107): QYMIDLYNRY[Thr97Arg]SDKSTTPASN